The following is an entry in ClinVar:

ClinVar aggregate classification (germline): Uncertain significance (1 of 4 stars; one submission).

Conditions:
KIDINS220-related disorder. Also called: KIDINS220-related condition.

gnomAD v4.1: 2 of 1,612,480 alleles (0.00012%); highest among the groups gnomAD compares: Non-Finnish European, 0.00017%; no homozygotes.

Submission:

PreventionGenetics, part of Exact Sciences
Classification: Uncertain significance for KIDINS220-related condition. Last evaluated: 2026-08-27. Review status: criteria provided, single submitter. Criteria: ACMG Guidelines, 2015. Collection method: clinical testing. Allele origin: germline.
Comment: The KIDINS220 c.3236A>G variant is predicted to result in the amino acid substitution p.Tyr1079Cys. To our knowledge, this variant has not been reported in the literature or in a large population database (gnomAD), indicating this variant is rare. At this time, the clinical significance of this variant is uncertain due to the absence of conclusive functional and genetic evidence.

NM_020738.4(KIDINS220):c.3236A>G (p.Tyr1079Cys)

Gene: KIDINS220 (kinase D interacting substrate 220; minus strand). Cytogenetic location: 2p25.1.
Variant type: single nucleotide variant.
Coding change: c.3236A>G on transcript NM_020738.4 (MANE Select); coding-DNA position 3236, A replaced by G.
Protein change: p.Tyr1079Cys; replaces tyrosine 1079 with cysteine.
Molecular consequence: missense variant. On other transcripts: non-coding transcript variant (2).
Genome position (GRCh38, 1-based): chr2:8,750,290, T>C on the plus strand (A>G on the coding strand, the complement: KIDINS220 is on the minus strand). VCF-style: chr2-8750290-T-C. GRCh37 (hg19) VCF-style: chr2-8890420-T-C.
Other names: c.3239A>G, p.Tyr1080Cys (NM_001348729.2, NM_001348731.2, NM_001348734.2 and 2 more transcripts); c.3236A>G, p.Tyr1079Cys (NM_001348732.2, NM_001348735.2, NM_001348738.2 and 3 more transcripts); c.3110A>G, p.Tyr1037Cys (NM_001348736.2); short protein forms Y1079C, Y1037C, Y1080C.
Identifiers: ClinVar variation 4990935 (VCV004990935.1).